The following is an entry in ClinVar:

NM_014363.6(SACS):c.6415T>G (p.Tyr2139Asp)

Gene: SACS (sacsin molecular chaperone; minus strand). Cytogenetic location: 13q12.12.
Variant type: single nucleotide variant.
Coding change: c.6415T>G on transcript NM_014363.6 (MANE Select); coding-DNA position 6415, T replaced by G.
Protein change: p.Tyr2139Asp; replaces tyrosine 2139 with aspartic acid.
Molecular consequence: missense variant.
Genome position (GRCh38, 1-based): chr13:23,337,461, A>C on the plus strand (T>G on the coding strand, the complement: SACS is on the minus strand). VCF-style: chr13-23337461-A-C. GRCh37 (hg19) VCF-style: chr13-23911600-A-C.
Other names: c.5974T>G, p.Tyr1992Asp (NM_001278055.2); c.6442T>G, p.Tyr2148Asp (NM_001437336.1); short protein forms Y1992D, Y2139D, Y2148D.
Identifiers: ClinVar variation 4855452 (VCV004855452.1).

ClinVar aggregate classification (germline): Uncertain significance (1 of 4 stars; one submission).

Conditions:
Charlevoix-Saguenay spastic ataxia (SACS). Also called: SPASTIC ATAXIA 6, AUTOSOMAL RECESSIVE; Spastic ataxia of Charlevoix-Saguenay; AUTOSOMAL RECESSIVE SPASTIC ATAXIA OF CHARLEVOIX-SAGUENAY. Identifiers: Orphanet 98, MedGen C1849140, MONDO:0010041, OMIM 270550.

Submission:

3billion
Classification: Uncertain significance for Charlevoix-Saguenay spastic ataxia. Last evaluated: 2025-10-07. Review status: criteria provided, single submitter. Criteria: ACMG Guidelines, 2015. Collection method: clinical testing. Allele origin: germline. Affected: yes.
Comment: The variant is not observed in the gnomAD v4.1.0 dataset. Predicted Consequence/Location: Missense variant. The majority of the known disease-causing variants of this gene are variants expected to result in premature termination of the protein. In silico tool predictions suggest damaging effect of the variant on gene or gene product [REVEL: 0.86 (>=0.6, sensitivity 0.68 and specificity 0.92)]. Therefore, this variant is classified as VUS according to the recommendation of ACMG/AMP guideline.